The following is an entry in ClinVar:

NM_012463.4(ATP6V0A2):c.1496AGA[1] (p.Lys500del)

Gene: ATP6V0A2 (ATPase H+ transporting V0 subunit a2; plus strand). Cytogenetic location: 12q24.31.
Variant type: Microsatellite.
Coding change: c.1496AGA[1] on transcript NM_012463.4 (MANE Select); one copy of the 3-base unit AGA starting at c.1496; the reference has two copies in a row; one copy, 3 bases deleted.
Protein change: p.Lys500del; deletes lysine 500.
Molecular consequence: inframe deletion.
Genome position (GRCh38, 1-based): chr12:123,744,769-123,744,771, AGA deleted; deleting any 3 consecutive bases within chr12:123,744,765-123,744,771 gives the same sequence; the position shown is the placement nearest the transcript's 3' end. VCF-style (leftmost placement, unchanged base first): chr12-123744764-TAAG-T. GRCh37 (hg19) VCF-style: chr12-124229311-TAAG-T.
Other names: short protein forms K500del.
Identifiers: ClinVar variation 2166777 (VCV002166777.1), dbSNP rs377565103, ClinGen allele CA6861939.
Genomic context (GRCh38, chr12:123,744,764, plus strand): 5'-GTTCGGCTCTGGGTGGAACGTGTCGGCCATGTACAGCTCCAGCCACCCACCCGCAGAGCA[TAAG>T]AAGATGGTGCTTTGGAAGTAAGTGTCCCATAGCTGGTGATGCTCTGGGTGGAAAGCATGT-3'

ClinVar aggregate classification (germline): Uncertain significance (1 of 4 stars; one submission).

Conditions:
ALG9 congenital disorder of glycosylation (CDG1L). Also called: CDG Il; CONGENITAL DISORDER OF GLYCOSYLATION, TYPE Il; ALG9-CDG. Identifiers: Orphanet 79328, MedGen C2931006, MONDO:0012117, OMIM 608776.

Submission:

Labcorp Genetics (formerly Invitae), Labcorp
Classification: Uncertain significance for ALG9 congenital disorder of glycosylation. Last evaluated: 2022-03-15. Review status: criteria provided, single submitter. Criteria: Invitae Variant Classification Sherloc (09022015). Collection method: clinical testing. Allele origin: germline.
Comment: This variant, c.1499_1501del, results in the deletion of 1 amino acid(s) of the ATP6V0A2 protein (p.Lys500del), but otherwise preserves the integrity of the reading frame. This variant is present in population databases (rs377565103, gnomAD 0.07%). This variant has not been reported in the literature in individuals affected with ATP6V0A2-related conditions. Experimental studies and prediction algorithms are not available or were not evaluated, and the functional significance of this variant is currently unknown. In summary, the available evidence is currently insufficient to determine the role of this variant in disease. Therefore, it has been classified as a Variant of Uncertain Significance.